The following is an entry in ClinVar:

ClinVar aggregate classification (germline): Uncertain significance (1 of 4 stars; one submission).

Conditions:
Hereditary cancer-predisposing syndrome. Also called: Neoplastic Syndromes, Hereditary; Tumor predisposition; Hereditary Cancer Syndrome; Hereditary neoplastic syndrome. Identifiers: Orphanet 140162, MedGen C0027672, MeSH D009386, MONDO:0015356.

Submission:

Ambry Genetics
Classification: Uncertain significance for Hereditary cancer-predisposing syndrome. Last evaluated: 2022-01-02. Review status: criteria provided, single submitter. Criteria: Ambry Variant Classification Scheme 2023. Collection method: clinical testing. Allele origin: germline.
Comment: The p.I231M variant (also known as c.693T>G), located in coding exon 4 of the PDGFRA gene, results from a T to G substitution at nucleotide position 693. The isoleucine at codon 231 is replaced by methionine, an amino acid with highly similar properties. This amino acid position is conserved. In addition, this alteration is predicted to be tolerated by in silico analysis. Since supporting evidence is limited at this time, the clinical significance of this alteration remains unclear.

NM_006206.6(PDGFRA):c.693T>G (p.Ile231Met)

Gene: PDGFRA (platelet derived growth factor receptor alpha; plus strand). Cytogenetic location: 4q12.
Variant type: single nucleotide variant.
Coding change: c.693T>G on transcript NM_006206.6 (MANE Select); coding-DNA position 693, T replaced by G.
Protein change: p.Ile231Met; replaces isoleucine 231 with methionine.
Molecular consequence: missense variant.
Genome position (GRCh38, 1-based): chr4:54,264,983, T>G. VCF-style: chr4-54264983-T-G. GRCh37 (hg19) VCF-style: chr4-55131150-T-G.
Other names: c.693T>G, p.Ile231Met (NM_001347827.2, NM_001347829.2); c.768T>G, p.Ile256Met (NM_001347828.2); c.732T>G, p.Ile244Met (NM_001347830.2); short protein forms I231M, I256M, I244M.
Identifiers: ClinVar variation 1756260 (VCV001756260.2), dbSNP rs2475444043, ClinGen allele CA356890890.